The following is an entry in ClinVar:

ClinVar aggregate classification (germline): Benign/Likely benign. Review status: criteria provided, multiple submitters, no conflicts (2 of 4 stars). 8 submissions from 8 submitters: Benign (1); Likely benign (7). Last evaluated 2025-12-06.

Conditions:
ATM-related disorder. Also called: ATM-related disorders; ATM-related condition.
Hereditary cancer-predisposing syndrome. Also called: Neoplastic Syndromes, Hereditary; Hereditary Cancer Syndrome; Tumor predisposition; Hereditary neoplastic syndrome. Identifiers: Orphanet 140162, MedGen C0027672, MeSH D009386, MONDO:0015356.
Ataxia-telangiectasia syndrome (AT). Also called: LOUIS-BAR SYNDROME; Cerebello-oculocutaneous telangiectasia; Immunodeficiency with ataxia telangiectasia; Ataxia-telangiectasia, complementation group D; AT, COMPLEMENTATION GROUP C; Ataxia-telangiectasia, complementation group E. Identifiers: Orphanet 100, MedGen C0004135, MONDO:0008840, OMIM 208900.
Familial cancer of breast. Also called: Hereditary breast cancer; BREAST CANCER, FAMILIAL; hereditary breast carcinoma. Identifiers: Orphanet 227535, MedGen C0346153, MONDO:0016419, OMIM 114480. Disease mechanism: loss of function.

Allele frequency attached by ClinVar (database versions not stated): gnomAD exomes 0.00001; TOPMed 0.00007; ESP Exome Variant Server 0.00015; ExAC 0.00002; gnomAD 0.00006.
gnomAD v4.1: 15 of 1,614,022 alleles (0.00093%); highest among the groups gnomAD compares: African/African-American, 0.019%; no homozygotes.

Submissions (8):

Labcorp Genetics (formerly Invitae), Labcorp
Classification: Likely benign for Ataxia-telangiectasia syndrome. Last evaluated: 2025-12-06. Review status: criteria provided, single submitter. Criteria: Invitae Variant Classification Sherloc (09022015). Collection method: clinical testing. Allele origin: germline.

PreventionGenetics, part of Exact Sciences
Classification: Likely benign for ATM-related condition. Last evaluated: 2025-04-15. Review status: criteria provided, single submitter. Criteria: ACMG Guidelines, 2015. Collection method: clinical testing. Allele origin: germline.
Comment: This variant is classified as likely benign based on ACMG/AMP sequence variant interpretation guidelines (Richards et al. 2015 PMID: 25741868, with internal and published modifications).

Myriad Genetics, Inc.
Classification: Benign for Familial cancer of breast. Last evaluated: 2024-06-06. Review status: criteria provided, single submitter. Criteria: Myriad Autosomal Dominant, Autosomal Recessive and X-Linked Classification Criteria (2023). Collection method: clinical testing. Allele origin: unknown.
Comment: This variant is considered benign. This variant is a silent/synonymous amino acid change and it is not expected to impact splicing.

Sema4
Classification: Likely benign for Hereditary cancer-predisposing syndrome. Last evaluated: 2021-12-16. Review status: criteria provided, single submitter. Criteria: Sema4 Curation Guidelines. Collection method: curation. Allele origin: germline.

GeneDx
Classification: Likely benign. Last evaluated: 2019-12-23. Review status: criteria provided, single submitter. Criteria: GeneDx Variant Classification Process June 2021. Collection method: clinical testing. Allele origin: germline. Affected: yes.

Women's Health and Genetics/Laboratory Corporation of America, LabCorp
Classification: Likely benign. Last evaluated: 2019-08-21. Review status: criteria provided, single submitter. Criteria: LabCorp Variant Classification Summary - May 2015. Collection method: clinical testing. Allele origin: germline.

Color Diagnostics, LLC DBA Color Health
Classification: Likely benign for Hereditary cancer-predisposing syndrome. Last evaluated: 2018-07-09. Review status: criteria provided, single submitter. Criteria: ACMG Guidelines, 2015. Collection method: clinical testing. Allele origin: germline.

Ambry Genetics
Classification: Likely benign for Hereditary cancer-predisposing syndrome. Last evaluated: 2016-03-24. Review status: criteria provided, single submitter. Criteria: Ambry Variant Classification Scheme 2023. Collection method: clinical testing. Allele origin: germline.

NM_000051.4(ATM):c.6486C>T (p.Ser2162=)

Genes: ATM (ATM serine/threonine kinase; plus strand), C11orf65 (chromosome 11 open reading frame 65; minus strand). Cytogenetic location: 11q22.3.
Variant type: single nucleotide variant.
Coding change: c.6486C>T on transcript NM_000051.4 (MANE Select); coding-DNA position 6486, C replaced by T.
Protein change: p.Ser2162=; no amino-acid change (serine 2162 retained).
Molecular consequence: synonymous variant. On other transcripts: intron variant (2).
Genome position (GRCh38, 1-based): chr11:108,321,334, C>T. VCF-style: chr11-108321334-C-T. GRCh37 (hg19) VCF-style: chr11-108192061-C-T.
Other names: c.6486C>T, p.Ser2162= (NM_001351834.2); c.641-12263G>A (NM_001330368.2); c.*39-12263G>A (NM_001351110.2).
Identifiers: ClinVar variation 387775 (VCV000387775.23), dbSNP rs138166710, ClinGen allele CA6265956.
Genomic context (GRCh38, chr11:108,321,334, plus strand): 5'-AGAGTGTCTTTTCTTTTTTGCTACTAGAGTAAAAGAAGTGGAAGAGATGTGTAAGCGCAG[C>T]CTTGAGTCTGTGTATTCGCTCTATCCCACACTTAGCAGGTTGCAGGCCATTGGAGAGCTG-3'
Protein context (NP_000042.3, residues 2152-2172): VKEVEEMCKR[Ser2162=]LESVYSLYPT